The following is an entry in ClinVar:

ClinVar aggregate classification (germline): Uncertain significance (1 of 4 stars; one submission).

Conditions:
Mucopolysaccharidosis, MPS-IV-B (MPS4B). Also called: Mucopolysaccharidosis type IV B; Mucopolysaccharidosis Type IVB; Mucopolysaccharidosis type IVB (Morquio); MPS IVB; MORQUIO SYNDROME B; Mucopolysaccharidosis Type IVB (Morquio B Disease). Identifiers: Orphanet 309310, Orphanet 582, MedGen C0086652, MONDO:0009660, OMIM 253010.
GM1 gangliosidosis. Identifiers: Orphanet 354, MedGen C0085131, MONDO:0018149.

Allele frequency attached by ClinVar (database versions not stated): gnomAD 0.00001; TOPMed below 0.00001.
gnomAD v4.1: 2 of 1,612,124 alleles (0.00012%); highest among the groups gnomAD compares: Non-Finnish European, 0.00017%; no homozygotes.

Submission:

Labcorp Genetics (formerly Invitae), Labcorp
Classification: Uncertain significance for Mucopolysaccharidosis, MPS-IV-B; GM1 gangliosidosis. Last evaluated: 2022-07-11. Review status: criteria provided, single submitter. Criteria: Invitae Variant Classification Sherloc (09022015). Collection method: clinical testing. Allele origin: germline.
Comment: This sequence change replaces glycine, which is neutral and non-polar, with serine, which is neutral and polar, at codon 23 of the GLB1 protein (p.Gly23Ser). This variant is not present in population databases (gnomAD no frequency). This variant has not been reported in the literature in individuals affected with GLB1-related conditions. Advanced modeling of protein sequence and biophysical properties (such as structural, functional, and spatial information, amino acid conservation, physicochemical variation, residue mobility, and thermodynamic stability) performed at Invitae indicates that this missense variant is not expected to disrupt GLB1 protein function. In summary, the available evidence is currently insufficient to determine the role of this variant in disease. Therefore, it has been classified as a Variant of Uncertain Significance.

NM_000404.4(GLB1):c.67G>A (p.Gly23Ser)

Genes: GLB1 (galactosidase beta 1; minus strand), TMPPE (transmembrane protein with metallophosphoesterase domain; minus strand), LOC129936434 (ATAC-STARR-seq lymphoblastoid silent region 14182; plus strand). Cytogenetic location: 3p22.3.
Variant type: single nucleotide variant.
Coding change: c.67G>A on transcript NM_000404.4 (MANE Select); coding-DNA position 67, G replaced by A.
Protein change: p.Gly23Ser; replaces glycine 23 with serine.
Molecular consequence: missense variant. On other transcripts: 5 prime UTR variant (2).
Genome position (GRCh38, 1-based): chr3:33,097,019, C>T on the plus strand (G>A on the coding strand, the complement: GLB1 is on the minus strand). VCF-style: chr3-33097019-C-T. GRCh37 (hg19) VCF-style: chr3-33138511-C-T.
Other names: c.67G>A, p.Gly23Ser (NM_001135602.3, NM_001317040.2, NM_001393580.1); c.-409G>A (NM_001039770.3); c.-305G>A (NM_001136238.2); short protein forms G23S.
Identifiers: ClinVar variation 2185797 (VCV002185797.1), dbSNP rs1240673584, ClinGen allele CA352007448.